The following is an entry in ClinVar:

ClinVar aggregate classification (germline): Pathogenic. Review status: criteria provided, multiple submitters, no conflicts (2 of 4 stars). 2 submissions from 2 submitters: Pathogenic (2). Last evaluated 2026-05-18.

Conditions:
Pancreatitis. Identifiers: MedGen C0030305, MONDO:0004982, HP:0001733.
Hereditary pancreatitis (PCTT). Also called: Hereditary chronic pancreatitis; PRSS1-Related Hereditary Pancreatitis. Identifiers: Orphanet 676, MedGen C0238339, MONDO:0008185, OMIM 167800.

gnomAD v4.1: 1 of 1,612,622 alleles (0.000062%); highest among the groups gnomAD compares: Non-Finnish European, 0.000085%; no homozygotes.

Submissions (2):

Institute Of Liver Studies, NHS South East Genomic Laboratory Hub
Classification: Pathogenic for Pancreatitis. Last evaluated: 2026-05-18. Review status: criteria provided, single submitter. Criteria: ACGS Best Practice Guidelines for Variant Classification in Rare Disease 2024. Collection method: clinical testing. Allele origin: germline. Affected: yes.

Ambry Genetics
Classification: Pathogenic for Hereditary pancreatitis. Last evaluated: 2016-04-15. Review status: criteria provided, single submitter. Criteria: Ambry Variant Classification Scheme 2023. Collection method: clinical testing. Allele origin: germline.
Comment: The p.C58* pathogenic mutation (also known as c.174C>A), located in coding exon 3 of the SPINK1 gene, results from a C to A substitution at nucleotide position 174. This changes the amino acid from a cysteine to a stop codon within coding exon 3. This alteration results in the truncation at the amino acid residue 35 of the processed and mature SPINK1, a single protein domain consisting of 56 amino acid residues, and is anticipated to result in a significant decrease in structural stability (Horii A et al. Biochem. Biophys. Res. Commun. 1987 Dec; 149(2):635-41; Hecht HJ et al. J. Mol. Biol. 1991 Aug; 220(3):711-22; Hecht HJ et al. J. Mol. Biol. 1992 Jun; 225(4):1095-103). In addition to the structural analysis, this alteration is expected to result in loss of function by premature protein truncation or nonsense-mediated mRNA decay. As such, this alteration is interpreted as a disease-causing mutation.

Literature cited by the submitters: PubMed 1613792 (cited by Ambry Genetics); PubMed 1870127 (cited by Ambry Genetics); PubMed 3501289 (cited by Ambry Genetics).

NM_001379610.1(SPINK1):c.174C>A (p.Cys58Ter)

Gene: SPINK1 (serine peptidase inhibitor Kazal type 1; minus strand). Cytogenetic location: 5q32.
Variant type: single nucleotide variant.
Coding change: c.174C>A on transcript NM_001379610.1 (MANE Select); coding-DNA position 174, C replaced by A.
Protein change: p.Cys58Ter; replaces cysteine 58 with a stop codon.
Molecular consequence: nonsense.
Genome position (GRCh38, 1-based): chr5:147,828,042, G>T on the plus strand (C>A on the coding strand, the complement: SPINK1 is on the minus strand). VCF-style: chr5-147828042-G-T. GRCh37 (hg19) VCF-style: chr5-147207605-G-T.
Other names: c.174C>A, p.Cys58Ter (NM_001354966.2, NM_003122.5); short protein forms C58*.
Identifiers: ClinVar variation 1779356 (VCV001779356.3), dbSNP rs35737774, ClinGen allele CA361885204.